The following is an entry in ClinVar:

NM_000465.4(BARD1):c.826A>G (p.Thr276Ala)

Gene: BARD1 (BRCA1 associated RING domain 1; minus strand). Cytogenetic location: 2q35.
Variant type: single nucleotide variant.
Coding change: c.826A>G on transcript NM_000465.4 (MANE Select); coding-DNA position 826, A replaced by G.
Protein change: p.Thr276Ala; replaces threonine 276 with alanine.
Molecular consequence: missense variant. On other transcripts: non-coding transcript variant (2), intron variant (3).
Genome position (GRCh38, 1-based): chr2:214,781,048, T>C on the plus strand (A>G on the coding strand, the complement: BARD1 is on the minus strand). VCF-style: chr2-214781048-T-C. GRCh37 (hg19) VCF-style: chr2-215645772-T-C.
Other names: c.769A>G, p.Thr257Ala (NM_001282543.2); c.158+28364A>G (NM_001282548.2); c.215+16013A>G (NM_001282545.2); c.364+11249A>G (NM_001282549.2); short protein forms T276A, T257A.
Identifiers: ClinVar variation 231675 (VCV000231675.10), dbSNP rs876659291, ClinGen allele CA10577832.

ClinVar aggregate classification (germline): Conflicting classifications of pathogenicity. Review status: criteria provided, conflicting classifications (1 of 4 stars). 2 submissions from 2 submitters: Uncertain significance (1); Likely benign (1). Last evaluated 2024-02-22.

Conditions:
Familial cancer of breast. Also called: BREAST CANCER, FAMILIAL; hereditary breast carcinoma; Hereditary breast cancer. Identifiers: Orphanet 227535, MedGen C0346153, MONDO:0016419, OMIM 114480. Disease mechanism: loss of function.
Hereditary cancer-predisposing syndrome. Also called: Neoplastic Syndromes, Hereditary; Tumor predisposition; Hereditary Cancer Syndrome; Hereditary neoplastic syndrome. Identifiers: Orphanet 140162, MedGen C0027672, MeSH D009386, MONDO:0015356.

Allele frequency attached by ClinVar (database versions not stated): gnomAD exomes below 0.00001; TOPMed below 0.00001.
gnomAD v4.1: 1 of 1,607,984 alleles (0.000062%); highest among the groups gnomAD compares: Non-Finnish European, 0.000085%; no homozygotes.

Submissions (2):

Ambry Genetics
Classification: Likely benign for Hereditary cancer-predisposing syndrome. Last evaluated: 2024-02-22. Review status: criteria provided, single submitter. Criteria: Ambry Variant Classification Scheme 2023. Collection method: clinical testing. Allele origin: germline.

Labcorp Genetics (formerly Invitae), Labcorp
Classification: Uncertain significance for Familial cancer of breast. Last evaluated: 2022-07-17. Review status: criteria provided, single submitter. Criteria: Invitae Variant Classification Sherloc (09022015). Collection method: clinical testing. Allele origin: germline.
Comment: ClinVar contains an entry for this variant (Variation ID: 231675). In summary, the available evidence is currently insufficient to determine the role of this variant in disease. Therefore, it has been classified as a Variant of Uncertain Significance. Algorithms developed to predict the effect of missense changes on protein structure and function output the following: SIFT: "Tolerated"; PolyPhen-2: "Benign"; Align-GVGD: "Class C0". The alanine amino acid residue is found in multiple mammalian species, which suggests that this missense change does not adversely affect protein function. This variant has not been reported in the literature in individuals affected with BARD1-related conditions. This variant is not present in population databases (gnomAD no frequency). This sequence change replaces threonine, which is neutral and polar, with alanine, which is neutral and non-polar, at codon 276 of the BARD1 protein (p.Thr276Ala).